The following is an entry in ClinVar:

ClinVar aggregate classification (germline): Uncertain significance (1 of 4 stars; one submission).

Conditions:
Episodic ataxia type 2 (EA2). Also called: CEREBELLAR ATAXIA, PAROXYSMAL, ACETAZOLAMIDE-RESPONSIVE; CEREBELLOPATHY, HEREDITARY PAROXYSMAL; EPISODIC ATAXIA, NYSTAGMUS-ASSOCIATED; ACETAZOLAMIDE-RESPONSIVE HEREDITARY PAROXYSMAL CEREBELLAR ATAXIA; ATAXIA, EPISODIC, WITH NYSTAGMUS; ATAXIA, FAMILIAL PAROXYSMAL. Identifiers: Orphanet 97, MedGen C1720416, MONDO:0007163, OMIM 108500.
Developmental and epileptic encephalopathy, 42 (DEE42A). Also called: Epileptic encephalopathy, early infantile, 42; DEVELOPMENTAL AND EPILEPTIC ENCEPHALOPATHY 42A; EPILEPTIC ENCEPHALOPATHY, EARLY INFANTILE, 42A. Identifiers: MedGen C4310716, MONDO:0014917, OMIM 617106.

Submission:

Labcorp Genetics (formerly Invitae), Labcorp
Classification: Uncertain significance for Developmental and epileptic encephalopathy, 42; Episodic ataxia type 2. Last evaluated: 2023-02-20. Review status: criteria provided, single submitter. Criteria: Invitae Variant Classification Sherloc (09022015). Collection method: clinical testing. Allele origin: germline.
Comment: In summary, the available evidence is currently insufficient to determine the role of this variant in disease. Therefore, it has been classified as a Variant of Uncertain Significance. Advanced modeling of protein sequence and biophysical properties (such as structural, functional, and spatial information, amino acid conservation, physicochemical variation, residue mobility, and thermodynamic stability) performed at Invitae indicates that this missense variant is not expected to disrupt CACNA1A protein function. This variant has not been reported in the literature in individuals affected with CACNA1A-related conditions. This variant is not present in population databases (gnomAD no frequency). This sequence change replaces lysine, which is basic and polar, with arginine, which is basic and polar, at codon 772 of the CACNA1A protein (p.Lys772Arg).

NM_001127222.2(CACNA1A):c.2312A>G (p.Lys771Arg)

Gene: CACNA1A (calcium voltage-gated channel subunit alpha1 A; minus strand). Cytogenetic location: 19p13.13.
Variant type: single nucleotide variant.
Coding change: c.2312A>G on transcript NM_001127222.2 (MANE Select); coding-DNA position 2312, A replaced by G.
Protein change: p.Lys771Arg; replaces lysine 771 with arginine.
Molecular consequence: missense variant.
Genome position (GRCh38, 1-based): chr19:13,299,321, T>C on the plus strand (A>G on the coding strand, the complement: CACNA1A is on the minus strand). VCF-style: chr19-13299321-T-C. GRCh37 (hg19) VCF-style: chr19-13410135-T-C.
Other names: c.2324A>G, p.Lys775Arg (NM_000068.4, NM_023035.3); c.2315A>G, p.Lys772Arg (NM_001127221.2, NM_001174080.2); short protein forms K775R, K772R, K771R.
Identifiers: ClinVar variation 2936949 (VCV002936949.3), dbSNP rs2512911093, ClinGen allele CA404343733.